The following is an entry in ClinVar:

ClinVar aggregate classification (germline): Likely pathogenic (1 of 4 stars; one submission).

Conditions:
Metaphyseal chondrodysplasia, Schmid type (MCDS). Also called: SPONDYLOMETAPHYSEAL DYSPLASIA, JAPANESE TYPE. Identifiers: Orphanet 174, MedGen C0265289, MONDO:0007983, OMIM 156500.

Submission:

Clinical Biomedical Laboratory, Shriners Hospital For Children - Canada
Classification: Likely pathogenic for Metaphyseal chondrodysplasia, Schmid type. Last evaluated: 2026-03-10. Review status: criteria provided, single submitter. Criteria: ACMG Guidelines, 2015. Collection method: clinical testing. Allele origin: germline. Affected: yes.
Comment: This variant is predicted to introduce a premature termination codon. While this is not anticipated to result in nonsense mediated decay, it is expected to disrupt the last 58 amino acids of the COL10A1 protein. This variant is absent from the Genome Aggregation Database v.2.1.1. This variant has been reported in the literature in individuals with clinical features of metaphyseal chondrodysplasia, Schmid type (PMID: 9525992). Based on the ACMG variant interpretation guidelines, the available evidence supports classification of this variant as likely pathogenic.

Literature cited by the submitters: PubMed 9525992.

NM_000493.4(COL10A1):c.1866_1868dup (p.Tyr623Ter)

Genes: COL10A1 (collagen type X alpha 1 chain; minus strand), NT5DC1 (5'-nucleotidase domain containing 1; plus strand). Cytogenetic location: 6q22.1.
Variant type: Duplication.
Coding change: c.1866_1868dup on transcript NM_000493.4 (MANE Select); coding-DNA positions 1866 to 1868, 3 bases duplicated (GTA; older notation c.1866_1868dupGTA).
Protein change: p.Tyr623Ter; replaces tyrosine 623 with a stop codon.
Molecular consequence: nonsense. On other transcripts: intron variant (1).
Genome position (GRCh38, 1-based): chr6:116,120,248-116,120,250, TAC duplicated on the plus strand (GTA on the coding strand, the reverse complement: COL10A1 is on the minus strand). VCF-style (leftmost placement, unchanged base first): chr6-116120247-G-GTAC. GRCh37 (hg19) VCF-style: chr6-116441410-G-GTAC.
Other names: c.1866_1868dup, p.Tyr623Ter (NM_001424106.1, NM_001424107.1); c.529+2303_529+2305dup (NM_152729.3); short protein forms Y623*.
Identifiers: ClinVar variation 4819369 (VCV004819369.1).